The following is an entry in ClinVar:

ClinVar aggregate classification (germline): Uncertain significance (1 of 4 stars; one submission).

Conditions:
Inborn genetic diseases. Identifiers: MedGen C0950123, MeSH D030342.

Allele frequency attached by ClinVar (database versions not stated): gnomAD 0.00001; gnomAD exomes 0.00001.
gnomAD v4.1: 17 of 1,614,074 alleles (0.0011%); highest among the groups gnomAD compares: Non-Finnish European, 0.0014%; no homozygotes.

Submission:

Ambry Genetics
Classification: Uncertain significance for Inborn genetic diseases. Last evaluated: 2024-01-14. Review status: criteria provided, single submitter. Criteria: Ambry Variant Classification Scheme 2023. Collection method: clinical testing. Allele origin: germline.
Comment: The p.T31M variant (also known as c.92C>T), located in coding exon 2 of the EPAS1 gene, results from a C to T substitution at nucleotide position 92. The threonine at codon 31 is replaced by methionine, an amino acid with similar properties. This amino acid position is conserved. In addition, the in silico prediction for this alteration is inconclusive. Since supporting evidence is limited at this time, the clinical significance of this alteration remains unclear.

NM_001430.5(EPAS1):c.92C>T (p.Thr31Met)

Gene: EPAS1 (endothelial PAS domain protein 1; plus strand). Cytogenetic location: 2p21.
Variant type: single nucleotide variant.
Coding change: c.92C>T on transcript NM_001430.5 (MANE Select); coding-DNA position 92, C replaced by T.
Protein change: p.Thr31Met; replaces threonine 31 with methionine.
Molecular consequence: missense variant.
Genome position (GRCh38, 1-based): chr2:46,346,938, C>T. VCF-style: chr2-46346938-C-T. GRCh37 (hg19) VCF-style: chr2-46574077-C-T.
Other names: short protein forms T31M.
Identifiers: ClinVar variation 1766485 (VCV001766485.2), dbSNP rs1202116125, ClinGen allele CA346697005.